The following is an entry in ClinVar:

NM_000440.3(PDE6A):c.2036C>G (p.Thr679Arg)

Gene: PDE6A (phosphodiesterase 6A; minus strand). Cytogenetic location: 5q32.
Variant type: single nucleotide variant.
Coding change: c.2036C>G on transcript NM_000440.3 (MANE Select); coding-DNA position 2036, C replaced by G.
Protein change: p.Thr679Arg; replaces threonine 679 with arginine.
Molecular consequence: missense variant.
Genome position (GRCh38, 1-based): chr5:149,883,528, G>C on the plus strand (C>G on the coding strand, the complement: PDE6A is on the minus strand). VCF-style: chr5-149883528-G-C. GRCh37 (hg19) VCF-style: chr5-149263091-G-C.
Other names: c.2036C>G (NM_000440.2); short protein forms T679R.
Identifiers: ClinVar variation 1034793 (VCV001034793.10), dbSNP rs147017310, ClinGen allele CA3504422.

ClinVar aggregate classification (germline): Uncertain significance. Review status: criteria provided, multiple submitters, no conflicts (2 of 4 stars). 3 submissions from 3 submitters: Uncertain significance (3). Last evaluated 2024-05-29.

Conditions:
Inborn genetic diseases. Identifiers: MedGen C0950123, MeSH D030342.

gnomAD v4.1: 56 of 1,608,724 alleles (0.0035%); highest among the groups gnomAD compares: South Asian, 0.058%; no homozygotes.

Submissions (3):

Blueprint Genetics
Classification: Uncertain significance. Last evaluated: 2024-05-29. Review status: criteria provided, single submitter. Criteria: ACMG Guidelines, 2015. Collection method: clinical testing. Allele origin: germline.

Labcorp Genetics (formerly Invitae), Labcorp
Classification: Uncertain significance. Last evaluated: 2022-02-04. Review status: criteria provided, single submitter. Criteria: Invitae Variant Classification Sherloc (09022015). Collection method: clinical testing. Allele origin: germline.
Comment: In summary, the available evidence is currently insufficient to determine the role of this variant in disease. Therefore, it has been classified as a Variant of Uncertain Significance. Algorithms developed to predict the effect of missense changes on protein structure and function are either unavailable or do not agree on the potential impact of this missense change (SIFT: "Deleterious"; PolyPhen-2: "Possibly Damaging"; Align-GVGD: "Class C0"). ClinVar contains an entry for this variant (Variation ID: 1034793). This variant has not been reported in the literature in individuals affected with PDE6A-related conditions. This variant is present in population databases (rs147017310, gnomAD 0.06%). This sequence change replaces threonine, which is neutral and polar, with arginine, which is basic and polar, at codon 679 of the PDE6A protein (p.Thr679Arg).

Ambry Genetics
Classification: Uncertain significance for Inborn genetic diseases. Last evaluated: 2021-06-11. Review status: criteria provided, single submitter. Criteria: Ambry Variant Classification Scheme 2023. Collection method: clinical testing. Allele origin: germline.